The following is an entry in ClinVar:

NM_003839.4(TNFRSF11A):c.*2537G>A

Gene: TNFRSF11A (TNF receptor superfamily member 11a; plus strand). Cytogenetic location: 18q21.33.
Variant type: single nucleotide variant.
Coding change: c.*2537G>A on transcript NM_003839.4 (MANE Select); 2537 bases downstream of the stop codon, G replaced by A.
Molecular consequence: 3 prime UTR variant.
Genome position (GRCh38, 1-based): chr18:62,387,571, G>A. VCF-style: chr18-62387571-G-A. GRCh37 (hg19) VCF-style: chr18-60054804-G-A.
Other names: c.*2812G>A (NM_001270949.2); c.*2537G>A (NM_001270950.2, NM_001270951.2, NM_001278268.2).
Identifiers: ClinVar variation 891414 (VCV000891414.5), dbSNP rs72933641, ClinGen allele CA301716748.

ClinVar aggregate classification (germline): Benign. Review status: criteria provided, multiple submitters, no conflicts (2 of 4 stars). 3 submissions from 2 submitters: Benign (3). Last evaluated 2018-01-13.

Conditions:
Autosomal recessive osteopetrosis 7. Identifiers: Orphanet 178389, MedGen C2676766, MONDO:0012859, OMIM 612301.
Paget disease of bone 2, early-onset (PDB2). Also called: Paget disease of bone 2. Identifiers: MedGen C4085251, MONDO:0011183, OMIM 602080.

Allele frequency attached by ClinVar (database versions not stated): 1000 Genomes Project 0.04034; 1000 Genomes Project 30x 0.04169; TOPMed 0.07213; gnomAD 0.07627 and 0.07811.

Submissions (3):

Illumina Laboratory Services, Illumina
Classification: Benign for Paget disease of bone 2, early-onset. Last evaluated: 2018-01-13. Review status: criteria provided, single submitter. Criteria: ICSL Variant Classification Criteria 13 December 2019. Collection method: clinical testing. Allele origin: germline.
Comment: This variant was observed in the ICSL laboratory as part of a predisposition screen in an ostensibly healthy population. It had not been previously curated by ICSL or reported in the Human Gene Mutation Database (HGMD: prior to June 1st, 2018), and was therefore a candidate for classification through an automated scoring system. Utilizing variant allele frequency, disease prevalence and penetrance estimates, and inheritance mode, an automated score was calculated to assess if this variant is too frequent to cause the disease. Based on the score and internal cut-off values, a variant classified as benign is not then subjected to further curation. The score for this variant resulted in a classification of benign for this disease.

Illumina Laboratory Services, Illumina
Classification: Benign for Autosomal recessive osteopetrosis 7. Last evaluated: 2018-01-13. Review status: criteria provided, single submitter. Criteria: ICSL Variant Classification Criteria 13 December 2019. Collection method: clinical testing. Allele origin: germline.
Comment: the same text as in the submission from Illumina Laboratory Services, Illumina above.

Breakthrough Genomics
Classification: Benign. Review status: criteria provided, single submitter. Criteria: ACMG Guidelines, 2015. Collection method: not provided. Allele origin: germline. Inheritance: Autosomal recessive inheritance. Affected: yes.